The following is an entry in ClinVar:

ClinVar aggregate classification (germline): Uncertain significance. Review status: criteria provided, multiple submitters, no conflicts (2 of 4 stars). 2 submissions from 2 submitters: Uncertain significance (2). Last evaluated 2026-04-01.

Conditions:
NTRK2-related disorder. Also called: NTRK2-related condition.

Allele frequency attached by ClinVar (database versions not stated): gnomAD exomes 0.00001.
gnomAD v4.1: 11 of 1,612,522 alleles (0.00068%); highest among the groups gnomAD compares: Non-Finnish European, 0.00093%; no homozygotes.

Submissions (2):

PreventionGenetics, part of Exact Sciences
Classification: Uncertain significance for NTRK2-related condition. Last evaluated: 2026-04-01. Review status: criteria provided, single submitter. Criteria: ACMG Guidelines, 2015. Collection method: clinical testing. Allele origin: germline.
Comment: The NTRK2 c.868A>T variant is predicted to result in the amino acid substitution p.Thr290Ser. To our knowledge, this variant has not been reported in the literature. This variant is reported in 0.00088% of alleles in individuals of European (Non-Finnish) descent in gnomAD. At this time, the clinical significance of this variant is uncertain due to the absence of conclusive functional and genetic evidence.

Labcorp Genetics (formerly Invitae), Labcorp
Classification: Uncertain significance. Last evaluated: 2025-01-22. Review status: criteria provided, single submitter. Criteria: Invitae Variant Classification Sherloc (09022015). Collection method: clinical testing. Allele origin: germline.
Comment: This sequence change replaces threonine, which is neutral and polar, with serine, which is neutral and polar, at codon 290 of the NTRK2 protein (p.Thr290Ser). This variant is present in population databases (rs200940075, gnomAD 0.0009%). This variant has not been reported in the literature in individuals affected with NTRK2-related conditions. ClinVar contains an entry for this variant (Variation ID: 2916158). Invitae Evidence Modeling of protein sequence and biophysical properties (such as structural, functional, and spatial information, amino acid conservation, physicochemical variation, residue mobility, and thermodynamic stability) indicates that this missense variant is not expected to disrupt NTRK2 protein function with a negative predictive value of 80%. In summary, the available evidence is currently insufficient to determine the role of this variant in disease. Therefore, it has been classified as a Variant of Uncertain Significance.

NM_006180.6(NTRK2):c.868A>T (p.Thr290Ser)

Gene: NTRK2 (neurotrophic receptor tyrosine kinase 2; plus strand). Cytogenetic location: 9q21.33.
Variant type: single nucleotide variant.
Coding change: c.868A>T on transcript NM_006180.6 (MANE Select); coding-DNA position 868, A replaced by T.
Protein change: p.Thr290Ser; replaces threonine 290 with serine.
Molecular consequence: missense variant. On other transcripts: intron variant (2).
Genome position (GRCh38, 1-based): chr9:84,727,668, A>T. VCF-style: chr9-84727668-A-T. GRCh37 (hg19) VCF-style: chr9-87342583-A-T.
Other names: c.868A>T, p.Thr290Ser (NM_001007097.3, NM_001018064.3, NM_001018065.2 and 17 more transcripts); c.400A>T, p.Thr134Ser (NM_001369535.1, NM_001369536.1, NM_001369550.1 and 2 more transcripts); c.854-25A>T (NM_001291937.2, NM_001369546.1); c.868A>T (NM_006180.4); short protein forms T290S, T134S.
Identifiers: ClinVar variation 2916158 (VCV002916158.4), dbSNP rs200940075, ClinGen allele CA195748582.
Genomic context (GRCh38, chr9:84,727,668, plus strand): 5'-AATTCTGAGCTTTCTGATGCTATTAACTCTCTCTTTTTCAATTTAGTTGCACCAACTATC[A>T]CATTTCTCGAATCTCCAACCTCAGACCACCACTGGTGCATTCCATTCACTGTGAAAGGCA-3'
Protein context (NP_006171.2, residues 280-300): NLTVHFAPTI[Thr290Ser]FLESPTSDHH